The following is an entry in ClinVar:

ClinVar aggregate classification (germline): Likely benign. Review status: criteria provided, multiple submitters, no conflicts (2 of 4 stars). 2 submissions from 2 submitters: Likely benign (2). Last evaluated 2026-03-01.

Allele frequency attached by ClinVar (database versions not stated): gnomAD 0.00006; gnomAD exomes 0.00006 and 0.00007; ExAC 0.00008; TOPMed 0.00008; 1000 Genomes Project 30x 0.00016; 1000 Genomes Project 0.00020; ESP Exome Variant Server 0.00023.
gnomAD v4.1: 104 of 1,614,190 alleles (0.0064%); highest among the groups gnomAD compares: Non-Finnish European, 0.0085%; no homozygotes.

Submissions (2):

CeGaT Center for Human Genetics Tuebingen
Classification: Likely benign. Last evaluated: 2026-03-01. Review status: criteria provided, single submitter. Criteria: CeGaT Center For Human Genetics Tuebingen Variant Classification Criteria Version 2. Collection method: clinical testing. Allele origin: germline. Affected: yes. Observed: 1 variant allele.
Comment: PLEKHG2: BP4, BP7

Labcorp Genetics (formerly Invitae), Labcorp
Classification: Likely benign. Last evaluated: 2025-09-20. Review status: criteria provided, single submitter. Criteria: Invitae Variant Classification Sherloc (09022015). Collection method: clinical testing. Allele origin: germline.

NM_022835.3(PLEKHG2):c.3720A>T (p.Pro1240=)

Gene: PLEKHG2 (pleckstrin homology and RhoGEF domain containing G2; plus strand). Cytogenetic location: 19q13.2.
Variant type: single nucleotide variant.
Coding change: c.3720A>T on transcript NM_022835.3 (MANE Select); coding-DNA position 3720, A replaced by T.
Protein change: p.Pro1240=; no amino-acid change (proline 1240 retained).
Molecular consequence: synonymous variant. On other transcripts: intron variant (1).
Genome position (GRCh38, 1-based): chr19:39,424,853, A>T. VCF-style: chr19-39424853-A-T. GRCh37 (hg19) VCF-style: chr19-39915493-A-T.
Other names: c.3543A>T, p.Pro1181= (NM_001351693.2); c.1678-385A>T (NM_001351694.2).
Identifiers: ClinVar variation 1598125 (VCV001598125.12), dbSNP rs150340180, ClinGen allele CA9430029.